The following is an entry in ClinVar:

NM_000620.5(NOS1):c.2154G>A (p.Thr718=)

Gene: NOS1 (nitric oxide synthase 1; minus strand). Cytogenetic location: 12q24.22.
Variant type: single nucleotide variant.
Coding change: c.2154G>A on transcript NM_000620.5 (MANE Select); coding-DNA position 2154, G replaced by A.
Protein change: p.Thr718=; no amino-acid change (threonine 718 retained).
Molecular consequence: synonymous variant.
Genome position (GRCh38, 1-based): chr12:117,263,957, C>T on the plus strand (G>A on the coding strand, the complement: NOS1 is on the minus strand). VCF-style: chr12-117263957-C-T. GRCh37 (hg19) VCF-style: chr12-117701762-C-T.
Other names: c.1146G>A, p.Thr382= (NM_001204213.2, NM_001204214.2); c.2154G>A, p.Thr718= (NM_001204218.2).
Identifiers: ClinVar variation 3058237 (VCV003058237.2), dbSNP rs755377258, ClinGen allele CA6814950.

ClinVar aggregate classification (germline): Likely benign (0 of 4 stars; one submission).

Conditions:
NOS1-related disorder. Also called: NOS1-related condition.

Allele frequency attached by ClinVar (database versions not stated): ExAC 0.00002; gnomAD 0.00003; TOPMed 0.00003.
gnomAD v4.1: 207 of 1,613,476 alleles (0.013%); highest among the groups gnomAD compares: Non-Finnish European, 0.017%; no homozygotes.

Submission:

PreventionGenetics, part of Exact Sciences
Classification: Likely benign for NOS1-related condition. Last evaluated: 2019-03-28. Review status: no assertion criteria provided. Collection method: clinical testing. Allele origin: germline.
Comment: This variant is classified as likely benign based on ACMG/AMP sequence variant interpretation guidelines (Richards et al. 2015 PMID: 25741868, with internal and published modifications).